The following is an entry in ClinVar:

NM_007315.4(STAT1):c.*1399A>G

Gene: STAT1 (signal transducer and activator of transcription 1; minus strand). Cytogenetic location: 2q32.2.
Variant type: single nucleotide variant.
Coding change: c.*1399A>G on transcript NM_007315.4 (MANE Select); 1399 bases downstream of the stop codon, A replaced by G.
Molecular consequence: 3 prime UTR variant.
Genome position (GRCh38, 1-based): chr2:190,969,304, T>C on the plus strand (A>G on the coding strand, the complement: STAT1 is on the minus strand). VCF-style: chr2-190969304-T-C. GRCh37 (hg19) VCF-style: chr2-191834030-T-C.
Other names: c.*1399A>G (NM_001384880.1, NM_001384881.1, NM_001384882.1 and 9 more transcripts).
Identifiers: ClinVar variation 333248 (VCV000333248.5), dbSNP rs11305, ClinGen allele CA10613599.
Genomic context (GRCh38, chr2:190,969,304, plus strand): 5'-AACTGAGAGAGGAGGCCTCAGATTGTATGCAGTGCCACGGAAAGCACTGTGTGCATATTA[T>C]ATTTAATGCAATACAGATACTTTAGCTTTAATTTTAAAACAAAACTCAAGAAATCTTTAT-3'

ClinVar aggregate classification (germline): Benign (1 of 4 stars; one submission).

Conditions:
Mendelian susceptibility to mycobacterial diseases due to partial STAT1 deficiency. Also called: IMMUNODEFICIENCY 31A, MYCOBACTERIOSIS, AUTOSOMAL DOMINANT; STAT1 DEFICIENCY, AUTOSOMAL DOMINANT; Immunodeficiency 31a. Identifiers: Orphanet 319595, MedGen C4013950, MONDO:0013956, OMIM 614892.

Allele frequency attached by ClinVar (database versions not stated): gnomAD 0.03828 and 0.04115; 1000 Genomes Project 0.04333; TOPMed 0.04390; 1000 Genomes Project 30x 0.04544.

Submission:

Illumina Laboratory Services, Illumina
Classification: Benign for Mendelian susceptibility to mycobacterial diseases due to partial STAT1 deficiency. Last evaluated: 2018-01-12. Review status: criteria provided, single submitter. Criteria: ICSL Variant Classification Criteria 13 December 2019. Collection method: clinical testing. Allele origin: germline.
Comment: This variant was observed in the ICSL laboratory as part of a predisposition screen in an ostensibly healthy population. It had not been previously curated by ICSL or reported in the Human Gene Mutation Database (HGMD: prior to June 1st, 2018), and was therefore a candidate for classification through an automated scoring system. Utilizing variant allele frequency, disease prevalence and penetrance estimates, and inheritance mode, an automated score was calculated to assess if this variant is too frequent to cause the disease. Based on the score and internal cut-off values, a variant classified as benign is not then subjected to further curation. The score for this variant resulted in a classification of benign for this disease.